The following is an entry in ClinVar:

NM_002951.5(RPN2):c.935C>G (p.Ser312Cys)

Gene: RPN2 (ribophorin II; plus strand). Cytogenetic location: 20q11.23.
Variant type: single nucleotide variant.
Coding change: c.935C>G on transcript NM_002951.5 (MANE Select); coding-DNA position 935, C replaced by G.
Protein change: p.Ser312Cys; replaces serine 312 with cysteine.
Molecular consequence: missense variant.
Genome position (GRCh38, 1-based): chr20:37,210,114, C>G. VCF-style: chr20-37210114-C-G. GRCh37 (hg19) VCF-style: chr20-35838517-C-G.
Other names: c.839C>G, p.Ser280Cys (NM_001135771.3); c.935C>G, p.Ser312Cys (NM_001324299.2, NM_001324302.2, NM_001324303.2 and 1 more transcripts); c.983C>G, p.Ser328Cys (NM_001324301.2, NM_001324305.2); c.464C>G, p.Ser155Cys (NM_001324306.2); short protein forms S312C, S155C, S328C, S280C.
Identifiers: ClinVar variation 1472328 (VCV001472328.6), dbSNP rs371734476, ClinGen allele CA9847027.

ClinVar aggregate classification (germline): Uncertain significance (1 of 4 stars; one submission).

Conditions:
Congenital disorder of glycosylation (CDG). Also called: Congenital disorders of glycosylation; Carbohydrate-deficient glycoprotein syndrome. Identifiers: Orphanet 137, MedGen C0282577, MONDO:0015286.

Allele frequency attached by ClinVar (database versions not stated): ExAC 0.00001; gnomAD 0.00001; ESP Exome Variant Server 0.00015.
gnomAD v4.1: 14 of 1,614,054 alleles (0.00087%); highest among the groups gnomAD compares: Non-Finnish European, 0.0012%; no homozygotes.

Submission:

Labcorp Genetics (formerly Invitae), Labcorp
Classification: Uncertain significance for Congenital disorder of glycosylation. Last evaluated: 2022-09-27. Review status: criteria provided, single submitter. Criteria: Invitae Variant Classification Sherloc (09022015). Collection method: clinical testing. Allele origin: germline.
Comment: In summary, the available evidence is currently insufficient to determine the role of this variant in disease. Therefore, it has been classified as a Variant of Uncertain Significance. Algorithms developed to predict the effect of missense changes on protein structure and function are either unavailable or do not agree on the potential impact of this missense change (SIFT: "Not Available"; PolyPhen-2: "Probably Damaging"; Align-GVGD: "Not Available"). This sequence change replaces serine with cysteine at codon 312 of the RPN2 protein (p.Ser312Cys). The serine residue is moderately conserved and there is a moderate physicochemical difference between serine and cysteine. The frequency data for this variant in the population databases is considered unreliable, as metrics indicate poor data quality at this position in the gnomAD database. This variant has not been reported in the literature in individuals affected with RPN2-related conditions. ClinVar contains an entry for this variant (Variation ID: 1472328).